The following is an entry in ClinVar:

NM_005932.4(MIPEP):c.293C>T (p.Thr98Ile)

Gene: MIPEP (mitochondrial intermediate peptidase; minus strand). Cytogenetic location: 13q12.12.
Variant type: single nucleotide variant.
Coding change: c.293C>T on transcript NM_005932.4 (MANE Select); coding-DNA position 293, C replaced by T.
Protein change: p.Thr98Ile; replaces threonine 98 with isoleucine.
Molecular consequence: missense variant.
Genome position (GRCh38, 1-based): chr13:23,886,403, G>A on the plus strand (C>T on the coding strand, the complement: MIPEP is on the minus strand). VCF-style: chr13-23886403-G-A. GRCh37 (hg19) VCF-style: chr13-24460542-G-A.
Other names: short protein forms T98I.
Identifiers: ClinVar variation 1714048 (VCV001714048.5), dbSNP rs1871483707, ClinGen allele CA387531301.
Genomic context (GRCh38, chr13:23,886,403, plus strand): 5'-ACTCTGCATAAGGAATCCGAGAGCTCATCGAAGATCAGCACGGTCTGGGGCCCAGGTGGG[G>A]TGGAACATGCACGGTCCACAAGCAATTCTGTCTTTCTCAAGGCTTTTTCTTGTGCAATAT-3'
Protein context (NP_005923.3, residues 88-108): TELLVDRACS[Thr98Ile]PPGPQTVLIF

ClinVar aggregate classification (germline): Uncertain significance (1 of 4 stars; one submission).

Allele frequency attached by ClinVar (database versions not stated): gnomAD 0.00001; TOPMed 0.00001.
gnomAD v4.1: 1 of 1,607,994 alleles (0.000062%); highest among the groups gnomAD compares: Admixed American, 0.0017%; no homozygotes.

Submission:

Labcorp Genetics (formerly Invitae), Labcorp
Classification: Uncertain significance. Last evaluated: 2022-07-28. Review status: criteria provided, single submitter. Criteria: Invitae Variant Classification Sherloc (09022015). Collection method: clinical testing. Allele origin: germline.
Comment: This sequence change replaces threonine, which is neutral and polar, with isoleucine, which is neutral and non-polar, at codon 98 of the MIPEP protein (p.Thr98Ile). This variant is not present in population databases (gnomAD no frequency). This variant has not been reported in the literature in individuals affected with MIPEP-related conditions. Algorithms developed to predict the effect of missense changes on protein structure and function (SIFT, PolyPhen-2, Align-GVGD) all suggest that this variant is likely to be tolerated. In summary, the available evidence is currently insufficient to determine the role of this variant in disease. Therefore, it has been classified as a Variant of Uncertain Significance.